The following is an entry in ClinVar:

NM_177438.3(DICER1):c.1857C>A (p.Asp619Glu)

Gene: DICER1 (dicer 1, ribonuclease III; minus strand). Cytogenetic location: 14q32.13.
Variant type: single nucleotide variant.
Coding change: c.1857C>A on transcript NM_177438.3 (MANE Select); coding-DNA position 1857, C replaced by A.
Protein change: p.Asp619Glu; replaces aspartic acid 619 with glutamic acid.
Molecular consequence: missense variant. On other transcripts: non-coding transcript variant (6).
Genome position (GRCh38, 1-based): chr14:95,115,717, G>T on the plus strand (C>A on the coding strand, the complement: DICER1 is on the minus strand). VCF-style: chr14-95115717-G-T. GRCh37 (hg19) VCF-style: chr14-95582054-G-T.
Other names: c.1857C>A, p.Asp619Glu (NM_001195573.1, NM_001271282.3, NM_001291628.2 and 12 more transcripts); c.1575C>A, p.Asp525Glu (NM_001395686.1); c.1452C>A, p.Asp484Glu (NM_001395687.1, NM_001395688.1, NM_001395689.1 and 3 more transcripts); c.1290C>A, p.Asp430Glu (NM_001395691.1); c.174C>A, p.Asp58Glu (NM_001395697.1); short protein forms D430E, D525E, D619E, D58E, D484E.
Identifiers: ClinVar variation 3840032 (VCV003840032.2).
Genomic context (GRCh38, chr14:95,115,717, plus strand): 5'-GATGCCATACCTATTGATGTGTCCAATGGCCGTGTTGATTGTGACTCGTGGACCACCATC[G>T]TCAGGCCTCAACACATATGGTGGGAAAACGTCATCATCATCCATGACAGGATCAATGTCA-3'
Protein context (NP_803187.1, residues 609-629): DVFPPYVLRP[Asp619Glu]DGGPRVTINT

ClinVar aggregate classification (germline): Uncertain significance. Review status: criteria provided, multiple submitters, no conflicts (2 of 4 stars). 2 submissions from 2 submitters: Uncertain significance (2). Last evaluated 2026-02-03.

Conditions:
DICER1-related tumor predisposition. Also called: DICER1 syndrome; DICER1-related pleuropulmonary blastoma cancer predisposition syndrome. Identifiers: Orphanet 284343, MedGen C3839822, MONDO:0100216.
Hereditary cancer-predisposing syndrome. Also called: Neoplastic Syndromes, Hereditary; Tumor predisposition; Hereditary neoplastic syndrome; Hereditary Cancer Syndrome. Identifiers: Orphanet 140162, MedGen C0027672, MeSH D009386, MONDO:0015356.

Submissions (2):

Labcorp Genetics (formerly Invitae), Labcorp
Classification: Uncertain significance for DICER1-related tumor predisposition. Last evaluated: 2026-02-03. Review status: criteria provided, single submitter. Criteria: Invitae Variant Classification Sherloc (09022015). Collection method: clinical testing. Allele origin: germline.
Comment: This sequence change replaces aspartic acid, which is acidic and polar, with glutamic acid, which is acidic and polar, at codon 619 of the DICER1 protein (p.Asp619Glu). This variant is not present in population databases (gnomAD no frequency). This variant has not been reported in the literature in individuals affected with DICER1-related conditions. ClinVar contains an entry for this variant (Variation ID: 3840032). Invitae Evidence Modeling of protein sequence and biophysical properties (such as structural, functional, and spatial information, amino acid conservation, physicochemical variation, residue mobility, and thermodynamic stability) indicates that this missense variant is not expected to disrupt DICER1 protein function with a negative predictive value of 95%. In summary, the available evidence is currently insufficient to determine the role of this variant in disease. Therefore, it has been classified as a Variant of Uncertain Significance.

Ambry Genetics
Classification: Uncertain significance for Hereditary cancer-predisposing syndrome. Last evaluated: 2025-02-09. Review status: criteria provided, single submitter. Criteria: Ambry Variant Classification Scheme 2023. Collection method: clinical testing. Allele origin: germline.
Comment: The p.D619E variant (also known as c.1857C>A), located in coding exon 10 of the DICER1 gene, results from a C to A substitution at nucleotide position 1857. The aspartic acid at codon 619 is replaced by glutamic acid, an amino acid with highly similar properties. This amino acid position is conserved. In addition, this alteration is predicted to be tolerated by in silico analysis. Based on the available evidence, the clinical significance of this variant remains unclear.